The following is an entry in ClinVar:

ClinVar aggregate classification (germline): Uncertain significance. Review status: criteria provided, multiple submitters, no conflicts (2 of 4 stars). 2 submissions from 2 submitters: Uncertain significance (2). Last evaluated 2025-08-07.

Conditions:
Inborn genetic diseases. Identifiers: MedGen C0950123, MeSH D030342.

Allele frequency attached by ClinVar (database versions not stated): gnomAD exomes 0.00001; ExAC 0.00003.
gnomAD v4.1: 17 of 1,614,104 alleles (0.0011%); highest among the groups gnomAD compares: Non-Finnish European, 0.0013%; no homozygotes.

Submissions (2):

Ambry Genetics
Classification: Uncertain significance for Inborn genetic diseases. Last evaluated: 2025-08-07. Review status: criteria provided, single submitter. Criteria: Ambry Variant Classification Scheme 2023. Collection method: clinical testing. Allele origin: germline.

GeneDx
Classification: Uncertain significance. Last evaluated: 2022-04-06. Review status: criteria provided, single submitter. Criteria: GeneDx Variant Classification Process June 2021. Collection method: clinical testing. Allele origin: germline. Affected: yes.
Comment: Not observed at significant frequency in large population cohorts (gnomAD); In silico analysis supports that this missense variant does not alter protein structure/function; Has not been previously published as pathogenic or benign to our knowledge

NM_004562.3(PRKN):c.736A>C (p.Ser246Arg)

Gene: PRKN (parkin RBR E3 ubiquitin protein ligase; minus strand). Cytogenetic location: 6q26.
Variant type: single nucleotide variant.
Coding change: c.736A>C on transcript NM_004562.3 (MANE Select); coding-DNA position 736, A replaced by C.
Protein change: p.Ser246Arg; replaces serine 246 with arginine.
Molecular consequence: missense variant.
Genome position (GRCh38, 1-based): chr6:161,785,907, T>G on the plus strand (A>C on the coding strand, the complement: PRKN is on the minus strand). VCF-style: chr6-161785907-T-G. GRCh37 (hg19) VCF-style: chr6-162206939-T-G.
Other names: c.652A>C, p.Ser218Arg (NM_013987.3); c.289A>C, p.Ser97Arg (NM_013988.3); short protein forms S218R, S246R, S97R.
Identifiers: ClinVar variation 1708651 (VCV001708651.3), dbSNP rs1300606784, ClinGen allele CA4090241.
Genomic context (GRCh38, chr6:161,785,907, plus strand): 5'-AGTGGAAACAGTCTAAGCAAATCACGTGGCGGGAGTTGCACTGGAAAACCAGGACGGGGC[T>G]CCTGCAGAGAGAAAGGAAGATGTTTCCTCTAGTACCTGTCAGTGTGGAAAGGCAGCACGT-3'
Protein context (NP_004553.2, residues 236-256): ITCITCTDVR[Ser246Arg]PVLVFQCNSR